The following is an entry in ClinVar:

ClinVar aggregate classification (germline): Likely benign (1 of 4 stars; one submission).

gnomAD v4.1: 5 of 1,589,326 alleles (0.00031%); highest among the groups gnomAD compares: Admixed American, 0.0052%; no homozygotes.

Submission:

CeGaT Center for Human Genetics Tuebingen
Classification: Likely benign. Last evaluated: 2022-08-01. Review status: criteria provided, single submitter. Criteria: CeGaT Center For Human Genetics Tuebingen Variant Classification Criteria Version 2. Collection method: clinical testing. Allele origin: germline. Affected: yes. Observed: 1 variant allele.
Comment: ARMC5: BP4, BP7

NM_001105247.2(ARMC5):c.1575C>G (p.Ala525=)

Gene: ARMC5 (armadillo repeat containing 5; plus strand). Cytogenetic location: 16p11.2.
Variant type: single nucleotide variant.
Coding change: c.1575C>G on transcript NM_001105247.2 (MANE Select); coding-DNA position 1575, C replaced by G.
Protein change: p.Ala525=; no amino-acid change (alanine 525 retained).
Molecular consequence: synonymous variant.
Genome position (GRCh38, 1-based): chr16:31,464,598, C>G. VCF-style: chr16-31464598-C-G. GRCh37 (hg19) VCF-style: chr16-31475919-C-G.
Other names: c.1860C>G, p.Ala620= (NM_001288767.2); c.1671C>G, p.Ala557= (NM_001301820.1); c.1575C>G, p.Ala525= (NM_024742.2).
Identifiers: ClinVar variation 2646482 (VCV002646482.24), dbSNP rs749423079, ClinGen allele CA8029729.
Genomic context (GRCh38, chr16:31,464,598, plus strand): 5'-CACTCCGGGCCGCAGCCCCGCCGCCGCCATCGAGGAGCCTTGGGGACGCGAAGGGCCAGC[C>G]CTGCTGCTGCTGTCGCGCTTTTCCCAGGCCCCTGACCCAAGTGGGGCACTTGTGACCGGC-3'
Protein context (NP_001098717.1, residues 515-535): IEEPWGREGP[Ala525=]LLLLSRFSQA